The following is an entry in ClinVar:

NM_001083619.3(GRIA2):c.1807G>A (p.Gly603Ser)

Gene: GRIA2 (glutamate ionotropic receptor AMPA type subunit 2; plus strand). Cytogenetic location: 4q32.1.
Variant type: single nucleotide variant.
Coding change: c.1807G>A on transcript NM_001083619.3 (MANE Select); coding-DNA position 1807, G replaced by A.
Protein change: p.Gly603Ser; replaces glycine 603 with serine.
Molecular consequence: missense variant.
Genome position (GRCh38, 1-based): chr4:157,336,710, G>A. VCF-style: chr4-157336710-G-A. GRCh37 (hg19) VCF-style: chr4-158257862-G-A.
Other names: c.1807G>A, p.Gly603Ser (NM_000826.6); c.1666G>A, p.Gly556Ser (NM_001083620.3, NM_001379000.3, NM_001379001.3); short protein forms G556S, G603S.
Identifiers: ClinVar variation 4536299 (VCV004536299.1).
Genomic context (GRCh38, chr4:157,336,710, plus strand): 5'-ACACAAAGTAGTGAATCAACTAATGAATTTGGGATTTTTAATAGTCTCTGGTTTTCCTTG[G>A]GTGCCTTTATGCAGCAAGGATGCGATATTTCGCCAAGGTTGGTTACTCACCTGCTTCAAC-3'
Protein context (NP_001077088.2, residues 593-613): GIFNSLWFSL[Gly603Ser]AFMQQGCDIS

ClinVar aggregate classification (germline): Uncertain significance (1 of 4 stars; one submission).

Submission:

GeneDx
Classification: Uncertain significance. Last evaluated: 2025-06-02. Review status: criteria provided, single submitter. Criteria: GeneDx Variant Classification Process June 2021. Collection method: clinical testing. Allele origin: germline. Affected: yes.
Comment: Not observed at significant frequency in large population cohorts (gnomAD); In silico analysis supports that this missense variant has a deleterious effect on protein structure/function; Has not been previously published as pathogenic or benign to our knowledge